The following is an entry in ClinVar:

ClinVar aggregate classification (germline): Uncertain significance. Review status: criteria provided, multiple submitters, no conflicts (2 of 4 stars). 2 submissions from 2 submitters: Uncertain significance (2). Last evaluated 2023-07-06.

Conditions:
Inborn genetic diseases. Identifiers: MedGen C0950123, MeSH D030342.
Autosomal dominant Parkinson disease 8. Also called: Parkinson disease 8, susceptibility to; LRRK2-Related Parkinson Disease; Parkinson disease 8. Identifiers: Orphanet 411602, MedGen C1846862, MONDO:0011764, OMIM 607060.

Allele frequency attached by ClinVar (database versions not stated): gnomAD exomes below 0.00001.
gnomAD v4.1: 1 of 1,613,746 alleles (0.000062%); highest among the groups gnomAD compares: Non-Finnish European, 0.000085%; no homozygotes.

Submissions (2):

Labcorp Genetics (formerly Invitae), Labcorp
Classification: Uncertain significance for Autosomal dominant Parkinson disease 8. Last evaluated: 2023-07-06. Review status: criteria provided, single submitter. Criteria: Invitae Variant Classification Sherloc (09022015). Collection method: clinical testing. Allele origin: germline.
Comment: This sequence change replaces leucine, which is neutral and non-polar, with proline, which is neutral and non-polar, at codon 1267 of the LRRK2 protein (p.Leu1267Pro). This variant is not present in population databases (gnomAD no frequency). This variant has not been reported in the literature in individuals affected with LRRK2-related conditions. ClinVar contains an entry for this variant (Variation ID: 2099083). Advanced modeling of protein sequence and biophysical properties (such as structural, functional, and spatial information, amino acid conservation, physicochemical variation, residue mobility, and thermodynamic stability) has been performed at Invitae for this missense variant, however the output from this modeling did not meet the statistical confidence thresholds required to predict the impact of this variant on LRRK2 protein function. In summary, the available evidence is currently insufficient to determine the role of this variant in disease. Therefore, it has been classified as a Variant of Uncertain Significance.

Ambry Genetics
Classification: Uncertain significance for Inborn genetic diseases. Last evaluated: 2023-02-24. Review status: criteria provided, single submitter. Criteria: Ambry Variant Classification Scheme 2023. Collection method: clinical testing. Allele origin: germline.
Comment: The p.L1267P variant (also known as c.3800T>C), located in coding exon 28 of the LRRK2 gene, results from a T to C substitution at nucleotide position 3800. The leucine at codon 1267 is replaced by proline, an amino acid with similar properties. This amino acid position is conserved. In addition, this alteration is predicted to be deleterious by in silico analysis. Since supporting evidence is limited at this time, the clinical significance of this alteration remains unclear.

NM_198578.4(LRRK2):c.3800T>C (p.Leu1267Pro)

Gene: LRRK2 (leucine rich repeat kinase 2; plus strand). Cytogenetic location: 12q12.
Variant type: single nucleotide variant.
Coding change: c.3800T>C on transcript NM_198578.4 (MANE Select); coding-DNA position 3800, T replaced by C.
Protein change: p.Leu1267Pro; replaces leucine 1267 with proline.
Molecular consequence: missense variant.
Genome position (GRCh38, 1-based): chr12:40,305,807, T>C. VCF-style: chr12-40305807-T-C. GRCh37 (hg19) VCF-style: chr12-40699609-T-C.
Other names: c.3800T>C (NM_198578.3); short protein forms L1267P.
Identifiers: ClinVar variation 2099083 (VCV002099083.6), dbSNP rs2499794336, ClinGen allele CA384417073.
Genomic context (GRCh38, chr12:40,305,807, plus strand): 5'-TCCCACCAACAGGTTTTGCCCTTTTTTTTCCCATTAAGATTCCTCCTGAGATTGGCTGTC[T>C]TGAAAATCTGACATCTCTGGATGTCAGTTACAACTTGGAACTAAGATCCTTTCCCAATGA-3'
Protein context (NP_940980.4, residues 1257-1277): LKEIPPEIGC[Leu1267Pro]ENLTSLDVSY